The following is an entry in ClinVar:

ClinVar aggregate classification (germline): Likely benign (0 of 4 stars; one submission).

Conditions:
Developmental and epileptic encephalopathy 93. Also called: EPILEPTIC ENCEPHALOPATHY, INFANTILE OR EARLY CHILDHOOD, 3. Identifiers: MedGen C4693934, MONDO:0020632, OMIM 618012.

Submission:

Institute of Human Genetics, University of Goettingen
Classification: Likely benign for Developmental and epileptic encephalopathy 93. Last evaluated: 2021-09-22. Review status: no assertion criteria provided. Collection method: clinical testing. Allele origin: unknown. Inheritance: Sporadic. Affected: yes.

NM_001690.4(ATP6V1A):c.1043C>G (p.Ala348Gly)

Gene: ATP6V1A (ATPase H+ transporting V1 subunit A; plus strand). Cytogenetic location: 3q13.31.
Variant type: single nucleotide variant.
Coding change: c.1043C>G on transcript NM_001690.4 (MANE Select); coding-DNA position 1043, C replaced by G.
Protein change: p.Ala348Gly; replaces alanine 348 with glycine.
Molecular consequence: missense variant.
Genome position (GRCh38, 1-based): chr3:113,794,926, C>G. VCF-style: chr3-113794926-C-G. GRCh37 (hg19) VCF-style: chr3-113513773-C-G.
Other names: short protein forms A348G.
Identifiers: ClinVar variation 995952 (VCV000995952.5), dbSNP rs1709137678, ClinGen allele CA354017771.